The following is an entry in ClinVar:

NM_014324.6(AMACR):c.739+16G>A

Genes: AMACR (alpha-methylacyl-CoA racemase; minus strand), C1QTNF3-AMACR (C1QTNF3-AMACR readthrough (NMD candidate); minus strand). Cytogenetic location: 5p13.2.
Variant type: single nucleotide variant.
Coding change: c.739+16G>A on transcript NM_014324.6 (MANE Select); 16 bases into the intron after coding-DNA position 739, G replaced by A.
Molecular consequence: intron variant.
Genome position (GRCh38, 1-based): chr5:33,998,625, C>T on the plus strand (G>A on the coding strand, the complement: AMACR is on the minus strand). VCF-style: chr5-33998625-C-T. GRCh37 (hg19) VCF-style: chr5-33998730-C-T.
Other names: c.578+16G>A (NM_203382.3); c.739+16G>A (NM_001167595.2).
Identifiers: ClinVar variation 518058 (VCV000518058.9), dbSNP rs376704656, ClinGen allele CA3226132.

ClinVar aggregate classification (germline): Likely benign. Review status: criteria provided, multiple submitters, no conflicts (2 of 4 stars). 3 submissions from 3 submitters: Likely benign (3). Last evaluated 2025-10-13.

Conditions:
Alpha-methylacyl-CoA racemase deficiency (AMACRD). Also called: AMACR deficiency. Identifiers: Orphanet 79095, MedGen C3280428, MONDO:0013681, OMIM 614307. Disease mechanism: loss of function.

Allele frequency attached by ClinVar (database versions not stated): ExAC 0.00003; TOPMed 0.00004; gnomAD 0.00005 and 0.00006; gnomAD exomes 0.00005 and 0.00011; ESP Exome Variant Server 0.00008.
gnomAD v4.1: 161 of 1,592,504 alleles (0.01%); highest among the groups gnomAD compares: East Asian, 0.25%; 1 homozygote.

Submissions (3):

Labcorp Genetics (formerly Invitae), Labcorp
Classification: Likely benign for Alpha-methylacyl-CoA racemase deficiency. Last evaluated: 2025-10-13. Review status: criteria provided, single submitter. Criteria: Invitae Variant Classification Sherloc (09022015). Collection method: clinical testing. Allele origin: germline.

Blueprint Genetics
Classification: Likely benign. Last evaluated: 2024-03-07. Review status: criteria provided, single submitter. Criteria: ACMG Guidelines, 2015. Collection method: clinical testing. Allele origin: germline.

GeneDx
Classification: Likely benign. Last evaluated: 2017-07-07. Review status: criteria provided, single submitter. Criteria: GeneDx Variant Classification (06012015). Collection method: clinical testing. Allele origin: germline. Affected: yes.
Comment: This variant is considered likely benign or benign based on one or more of the following criteria: it is a conservative change, it occurs at a poorly conserved position in the protein, it is predicted to be benign by multiple in silico algorithms, and/or has population frequency not consistent with disease.